The following is an entry in ClinVar:

ClinVar aggregate classification (germline): Uncertain significance. Review status: criteria provided, multiple submitters, no conflicts (2 of 4 stars). 2 submissions from 2 submitters: Uncertain significance (2). Last evaluated 2024-03-18.

Conditions:
Intellectual developmental disorder, autosomal dominant 65. Also called: MENTAL RETARDATION, AUTOSOMAL DOMINANT 65. Identifiers: MedGen C5543371, MONDO:0023657, OMIM 619320.

Allele frequency attached by ClinVar (database versions not stated): gnomAD exomes below 0.00001; TOPMed below 0.00001.
gnomAD v4.1: 1 of 1,612,722 alleles (0.000062%); highest among the groups gnomAD compares: Non-Finnish European, 0.000085%; no homozygotes.

Submissions (2):

Women's Health and Genetics/Laboratory Corporation of America, LabCorp
Classification: Uncertain significance. Last evaluated: 2024-03-18. Review status: criteria provided, single submitter. Criteria: LabCorp Variant Classification Summary - May 2015. Collection method: clinical testing. Allele origin: germline.
Comment: Variant summary: JMJD2B c.167C>T (p.Pro56Leu) results in a non-conservative amino acid change located in the JmjN domain (IPR003349) of the encoded protein sequence. Five of five in-silico tools predict a damaging effect of the variant on protein function. The variant was absent in 250136 control chromosomes. The available data on variant occurrences in the general population are insufficient to allow any conclusion about variant significance. To our knowledge, no occurrence of c.167C>T in individuals affected with Intellectual Developmental Disorder, Autosomal Dominant 65 and no experimental evidence demonstrating its impact on protein function have been reported. ClinVar contains an entry for this variant (Variation ID: 2431784). Based on the evidence outlined above, the variant was classified as uncertain significance.

Laboratorio de Genetica e Diagnostico Molecular, Hospital Israelita Albert Einstein
Classification: Uncertain significance for Intellectual developmental disorder, autosomal dominant 65. Last evaluated: 2022-07-26. Review status: criteria provided, single submitter. Criteria: ACMG Guidelines, 2015. Collection method: clinical testing. Allele origin: germline. Affected: yes. Observed: 1 variant allele.
Comment: ACMG classification criteria: PM2 moderated, PP2 supporting

NM_015015.3(KDM4B):c.167C>T (p.Pro56Leu)

Gene: KDM4B (lysine demethylase 4B; plus strand). Cytogenetic location: 19p13.3.
Variant type: single nucleotide variant.
Coding change: c.167C>T on transcript NM_015015.3 (MANE Select); coding-DNA position 167, C replaced by T.
Protein change: p.Pro56Leu; replaces proline 56 with leucine.
Molecular consequence: missense variant.
Genome position (GRCh38, 1-based): chr19:5,039,861, C>T. VCF-style: chr19-5039861-C-T. GRCh37 (hg19) VCF-style: chr19-5039872-C-T.
Other names: c.167C>T, p.Pro56Leu (NM_001370093.1, NM_001370094.1, NM_001411148.1); short protein forms P56L.
Identifiers: ClinVar variation 2431784 (VCV002431784.3), dbSNP rs1383961665, ClinGen allele CA403489665.